The following is an entry in ClinVar:

ClinVar aggregate classification (germline): Uncertain significance. Review status: criteria provided, multiple submitters, no conflicts (2 of 4 stars). 2 submissions from 2 submitters: Uncertain significance (2). Last evaluated 2024-05-12.

Conditions:
Peroxisome biogenesis disorder, complementation group K (CGK). Identifiers: MedGen C1866257, MONDO:0800365.
Inborn genetic diseases. Identifiers: MedGen C0950123, MeSH D030342.

gnomAD v4.1: 2 of 1,613,910 alleles (0.00012%); highest among the groups gnomAD compares: Admixed American, 0.0033%; no homozygotes.

Submissions (2):

Ambry Genetics
Classification: Uncertain significance for Inborn genetic diseases. Last evaluated: 2024-05-12. Review status: criteria provided, single submitter. Criteria: Ambry Variant Classification Scheme 2023. Collection method: clinical testing. Allele origin: germline.

Labcorp Genetics (formerly Invitae), Labcorp
Classification: Uncertain significance for Peroxisome biogenesis disorder, complementation group K. Last evaluated: 2022-10-13. Review status: criteria provided, single submitter. Criteria: Invitae Variant Classification Sherloc (09022015). Collection method: clinical testing. Allele origin: germline.
Comment: This sequence change replaces proline, which is neutral and non-polar, with glutamine, which is neutral and polar, at codon 248 of the PEX14 protein (p.Pro248Gln). This variant is present in population databases (rs553512429, gnomAD 0.003%). This variant has not been reported in the literature in individuals affected with PEX14-related conditions. ClinVar contains an entry for this variant (Variation ID: 1490147). Advanced modeling of protein sequence and biophysical properties (such as structural, functional, and spatial information, amino acid conservation, physicochemical variation, residue mobility, and thermodynamic stability) performed at Invitae indicates that this missense variant is not expected to disrupt PEX14 protein function. In summary, the available evidence is currently insufficient to determine the role of this variant in disease. Therefore, it has been classified as a Variant of Uncertain Significance.

NM_004565.3(PEX14):c.743C>A (p.Pro248Gln)

Gene: PEX14 (peroxisomal biogenesis factor 14; plus strand). Cytogenetic location: 1p36.22.
Variant type: single nucleotide variant.
Coding change: c.743C>A on transcript NM_004565.3 (MANE Select); coding-DNA position 743, C replaced by A.
Protein change: p.Pro248Gln; replaces proline 248 with glutamine.
Molecular consequence: missense variant.
Genome position (GRCh38, 1-based): chr1:10,629,596, C>A. VCF-style: chr1-10629596-C-A. GRCh37 (hg19) VCF-style: chr1-10689653-C-A.
Other names: c.743C>A (NM_004565.2); short protein forms P248Q.
Identifiers: ClinVar variation 1490147 (VCV001490147.4), dbSNP rs553512429, ClinGen allele CA583957.